The following is an entry in ClinVar:

ClinVar aggregate classification (germline): Conflicting classifications of pathogenicity. Review status: criteria provided, conflicting classifications (1 of 4 stars). 2 submissions from 2 submitters: Uncertain significance (1); Likely benign (1). Last evaluated 2025-08-13.

Conditions:
Inborn genetic diseases. Identifiers: MedGen C0950123, MeSH D030342.

Allele frequency attached by ClinVar (database versions not stated): gnomAD 0.00001; ExAC 0.00003.
gnomAD v4.1: 56 of 1,604,802 alleles (0.0035%); highest among the groups gnomAD compares: South Asian, 0.0067%; no homozygotes.

Submissions (2):

Ambry Genetics
Classification: Likely benign for Inborn genetic diseases. Last evaluated: 2025-08-13. Review status: criteria provided, single submitter. Criteria: Ambry Variant Classification Scheme 2023. Collection method: clinical testing. Allele origin: germline.

Labcorp Genetics (formerly Invitae), Labcorp
Classification: Uncertain significance. Last evaluated: 2022-05-04. Review status: criteria provided, single submitter. Criteria: Invitae Variant Classification Sherloc (09022015). Collection method: clinical testing. Allele origin: germline.
Comment: This sequence change replaces alanine, which is neutral and non-polar, with valine, which is neutral and non-polar, at codon 117 of the LAMA5 protein (p.Ala117Val). In summary, the available evidence is currently insufficient to determine the role of this variant in disease. Therefore, it has been classified as a Variant of Uncertain Significance. Algorithms developed to predict the effect of missense changes on protein structure and function output the following: SIFT: "Tolerated"; PolyPhen-2: "Benign"; Align-GVGD: "Class C0". The valine amino acid residue is found in multiple mammalian species, which suggests that this missense change does not adversely affect protein function. This variant has not been reported in the literature in individuals affected with LAMA5-related conditions. This variant is present in population databases (rs770543738, gnomAD 0.007%).

NM_005560.6(LAMA5):c.350C>T (p.Ala117Val)

Gene: LAMA5 (laminin subunit alpha 5; minus strand). Cytogenetic location: 20q13.33.
Variant type: single nucleotide variant.
Coding change: c.350C>T on transcript NM_005560.6 (MANE Select); coding-DNA position 350, C replaced by T.
Protein change: p.Ala117Val; replaces alanine 117 with valine.
Molecular consequence: missense variant.
Genome position (GRCh38, 1-based): chr20:62,362,500, G>A on the plus strand (C>T on the coding strand, the complement: LAMA5 is on the minus strand). VCF-style: chr20-62362500-G-A. GRCh37 (hg19) VCF-style: chr20-60937556-G-A.
Other names: c.350C>T (NM_005560.3); short protein forms A117V.
Identifiers: ClinVar variation 2190685 (VCV002190685.5), dbSNP rs770543738, ClinGen allele CA9944490.
Genomic context (GRCh38, chr20:62,362,500, plus strand): 5'-AGGCCGCGGGACAGCGGTGGACTCTGCCACCAGCGCTCCGTGCCATCGATGGCATTGCTC[G>A]CGGGGTGTGCCTTGTTGCTGTTGGCAGCCGTGCAGATGTCACAGTACTGGCCCTGCAGAG-3'
Protein context (NP_005551.3, residues 107-127): TAANSNKAHP[Ala117Val]SNAIDGTERW